The following is an entry in ClinVar:

ClinVar aggregate classification (germline): Uncertain significance (1 of 4 stars; one submission).

Conditions:
Predisposition to invasive fungal disease due to CARD9 deficiency (IMD103). Also called: CARD9 IMMUNODEFICIENCY; IMMUNODEFICIENCY 103, SUSCEPTIBILITY TO FUNGAL INFECTIONS; Candidiasis, familial, 2, autosomal recessive. Identifiers: Orphanet 457088, MedGen C1859353, MONDO:0008905, OMIM 212050.

Allele frequency attached by ClinVar (database versions not stated): ExAC 0.00002.

Submission:

Labcorp Genetics (formerly Invitae), Labcorp
Classification: Uncertain significance for Predisposition to invasive fungal disease due to CARD9 deficiency. Last evaluated: 2022-02-13. Review status: criteria provided, single submitter. Criteria: Invitae Variant Classification Sherloc (09022015). Collection method: clinical testing. Allele origin: germline.
Comment: This variant is present in population databases (rs753366983, gnomAD 0.003%). This variant has not been reported in the literature in individuals affected with CARD9-related conditions. Algorithms developed to predict the effect of missense changes on protein structure and function are either unavailable or do not agree on the potential impact of this missense change (SIFT: "Deleterious"; PolyPhen-2: "Benign"; Align-GVGD: "Class C0"). In summary, the available evidence is currently insufficient to determine the role of this variant in disease. Therefore, it has been classified as a Variant of Uncertain Significance. This sequence change replaces serine, which is neutral and polar, with proline, which is neutral and non-polar, at codon 439 of the CARD9 protein (p.Ser439Pro).

NM_052813.5(CARD9):c.1315T>C (p.Ser439Pro)

Gene: CARD9 (caspase recruitment domain family member 9; minus strand). Cytogenetic location: 9q34.3.
Variant type: single nucleotide variant.
Coding change: c.1315T>C on transcript NM_052813.5 (MANE Select); coding-DNA position 1315, T replaced by C.
Protein change: p.Ser439Pro; replaces serine 439 with proline.
Molecular consequence: missense variant.
Genome position (GRCh38, 1-based): chr9:136,366,842, A>G on the plus strand (T>C on the coding strand, the complement: CARD9 is on the minus strand). VCF-style: chr9-136366842-A-G. GRCh37 (hg19) VCF-style: chr9-139261294-A-G.
Other names: c.1315T>C, p.Ser439Pro (NM_052814.4); short protein forms S439P.
Identifiers: ClinVar variation 1924135 (VCV001924135.5), dbSNP rs753366983, ClinGen allele CA5332704.